The following is an entry in ClinVar:

ClinVar aggregate classification (germline): Uncertain significance. Review status: criteria provided, multiple submitters, no conflicts (2 of 4 stars). 3 submissions from 3 submitters: Uncertain significance (3). Last evaluated 2026-01-05.

Allele frequency attached by ClinVar (database versions not stated): gnomAD exomes 0.00001; ExAC 0.00002; TOPMed 0.00003.
gnomAD v4.1: 14 of 1,612,642 alleles (0.00087%); highest among the groups gnomAD compares: Admixed American, 0.005%; no homozygotes.

Submissions (3):

Labcorp Genetics (formerly Invitae), Labcorp
Classification: Uncertain significance. Last evaluated: 2026-01-05. Review status: criteria provided, single submitter. Criteria: Invitae Variant Classification Sherloc (09022015). Collection method: clinical testing. Allele origin: germline.
Comment: This sequence change replaces arginine, which is basic and polar, with tryptophan, which is neutral and slightly polar, at codon 674 of the CLCN6 protein (p.Arg674Trp). This variant is present in population databases (rs761387681, gnomAD 0.003%). This variant has not been reported in the literature in individuals affected with CLCN6-related conditions. ClinVar contains an entry for this variant (Variation ID: 1482678). An algorithm developed to predict the effect of missense changes on protein structure and function (PolyPhen-2) suggests that this variant is likely to be disruptive. In summary, the available evidence is currently insufficient to determine the role of this variant in disease. Therefore, it has been classified as a Variant of Uncertain Significance.

Laboratorio de Genetica e Diagnostico Molecular, Hospital Israelita Albert Einstein
Classification: Uncertain significance. Last evaluated: 2021-10-15. Review status: criteria provided, single submitter. Criteria: ACMG Guidelines, 2015. Collection method: clinical testing. Allele origin: germline. Affected: yes.
Comment: ACMG classification criteria: PP3

Ambry Genetics
Classification: Uncertain significance. Last evaluated: 2021-08-13. Review status: criteria provided, single submitter. Criteria: Ambry Variant Classification Scheme 2023. Collection method: clinical testing. Allele origin: germline.

NM_001286.5(CLCN6):c.2020C>T (p.Arg674Trp)

Gene: CLCN6 (chloride voltage-gated channel 6; plus strand). Cytogenetic location: 1p36.22.
Variant type: single nucleotide variant.
Coding change: c.2020C>T on transcript NM_001286.5 (MANE Select); coding-DNA position 2020, C replaced by T.
Protein change: p.Arg674Trp; replaces arginine 674 with tryptophan.
Molecular consequence: missense variant. On other transcripts: non-coding transcript variant (1).
Genome position (GRCh38, 1-based): chr1:11,837,038, C>T. VCF-style: chr1-11837038-C-T. GRCh37 (hg19) VCF-style: chr1-11897095-C-T.
Other names: c.1954C>T, p.Arg652Trp (NM_001256959.2); c.2020C>T (NM_001286.2); short protein forms R652W, R674W.
Identifiers: ClinVar variation 1482678 (VCV001482678.9), dbSNP rs761387681, ClinGen allele CA596697.